The following is an entry in ClinVar:

ClinVar aggregate classification (germline): Uncertain significance (1 of 4 stars; one submission).

Conditions:
Mendelian susceptibility to mycobacterial diseases due to partial STAT1 deficiency. Also called: IMMUNODEFICIENCY 31A, MYCOBACTERIOSIS, AUTOSOMAL DOMINANT; STAT1 DEFICIENCY, AUTOSOMAL DOMINANT; Immunodeficiency 31a. Identifiers: Orphanet 319595, MedGen C4013950, MONDO:0013956, OMIM 614892.
Immunodeficiency 31B. Also called: STAT1 DEFICIENCY, AUTOSOMAL RECESSIVE; IMMUNODEFICIENCY 31B, MYCOBACTERIAL AND VIRAL INFECTIONS, AUTOSOMAL RECESSIVE. Identifiers: Orphanet 391311, MedGen C3151088, MONDO:0013427, OMIM 613796.
Autoimmune enteropathy and endocrinopathy - susceptibility to chronic infections syndrome. Also called: Immunodeficiency 31C, autosomal dominant; Immunodeficiency 31C. Identifiers: Orphanet 391487, MedGen C3279990, MONDO:0013599, OMIM 614162.

gnomAD v4.1: 13 of 1,614,148 alleles (0.00081%); highest among the groups gnomAD compares: South Asian, 0.0011%; no homozygotes.

Submission:

Labcorp Genetics (formerly Invitae), Labcorp
Classification: Uncertain significance for Mendelian susceptibility to mycobacterial diseases due to partial STAT1 deficiency; Immunodeficiency 31B; Autoimmune enteropathy and endocrinopathy - susceptibility to chronic infections syndrome. Last evaluated: 2024-03-08. Review status: criteria provided, single submitter. Criteria: Invitae Variant Classification Sherloc (09022015). Collection method: clinical testing. Allele origin: germline.
Comment: This sequence change affects codon 706 of the STAT1 mRNA. It is a 'silent' change, meaning that it does not change the encoded amino acid sequence of the STAT1 protein. This variant is present in population databases (no rsID available, gnomAD 0.0009%). This variant has not been reported in the literature in individuals affected with STAT1-related conditions. Algorithms developed to predict the effect of sequence changes on RNA splicing suggest that this variant may disrupt the consensus splice site. In summary, the available evidence is currently insufficient to determine the role of this variant in disease. Therefore, it has been classified as a Variant of Uncertain Significance.

NM_007315.4(STAT1):c.2118G>A (p.Leu706=)

Gene: STAT1 (signal transducer and activator of transcription 1; minus strand). Cytogenetic location: 2q32.2.
Variant type: single nucleotide variant.
Coding change: c.2118G>A on transcript NM_007315.4 (MANE Select); coding-DNA position 2118, G replaced by A.
Protein change: p.Leu706=; no amino-acid change (leucine 706 retained).
Molecular consequence: synonymous variant. On other transcripts: intron variant (1).
Genome position (GRCh38, 1-based): chr2:190,975,829, C>T on the plus strand (G>A on the coding strand, the complement: STAT1 is on the minus strand). VCF-style: chr2-190975829-C-T. GRCh37 (hg19) VCF-style: chr2-191840555-C-T.
Other names: c.2118G>A, p.Leu706= (NM_001384889.1, NM_139266.3); c.2028G>A, p.Leu676= (NM_001384890.1); c.2154G>A, p.Leu718= (NM_001384891.1); c.1963-961G>A (NM_001384884.1); c.2058G>A, p.Leu686= (NM_001384880.1); c.2124G>A, p.Leu708= (NM_001384881.1); c.2112G>A, p.Leu704= (NM_001384882.1); c.2019G>A, p.Leu673= (NM_001384883.1); and 4 more.
Identifiers: ClinVar variation 3750090 (VCV003750090.2).
Genomic context (GRCh38, chr2:190,975,829, plus strand): 5'-GGCTTGAGGTTTGTAAACATGTCACTCTTCTGTGTTCACTTACACTTCAGACACAGAAAT[C>T]AACTCAGTCTTGATATATCCAGTTCCTTTAGGGCCATCAAGTTCCATTGGCTCTGGTGCT-3'
Protein context (NP_009330.1, residues 696-716): PKGTGYIKTE[Leu706=]ISVSEVHPSR